The following is an entry in ClinVar:

NM_005120.3(MED12):c.1295G>A (p.Gly432Glu)

Genes: MED12 (mediator complex subunit 12; plus strand), LOC126863275 (BRD4-independent group 4 enhancer GRCh37_chrX:70342400-70343599; plus strand). Cytogenetic location: Xq13.1.
Variant type: single nucleotide variant.
Coding change: c.1295G>A on transcript NM_005120.3 (MANE Select); coding-DNA position 1295, G replaced by A.
Protein change: p.Gly432Glu; replaces glycine 432 with glutamic acid.
Molecular consequence: missense variant.
Genome position (GRCh38, 1-based): chrX:71,122,554, G>A. VCF-style: chrX-71122554-G-A. GRCh37 (hg19) VCF-style: chrX-70342404-G-A.
Other names: short protein forms G432E.
Identifiers: ClinVar variation 1303953 (VCV001303953.3), dbSNP rs2147783712, ClinGen allele CA413506002.

ClinVar aggregate classification (germline): Likely pathogenic (1 of 4 stars; one submission).

Submission:

GeneDx
Classification: Likely pathogenic. Last evaluated: 2023-11-29. Review status: criteria provided, single submitter. Criteria: GeneDx Variant Classification Process June 2021. Collection method: clinical testing. Allele origin: germline. Affected: yes.
Comment: Has not been previously published as pathogenic or benign to our knowledge; Not observed at significant frequency in large population cohorts (gnomAD); In silico analysis supports that this missense variant has a deleterious effect on protein structure/function